The following is an entry in ClinVar:

ClinVar aggregate classification (germline): Uncertain significance. Review status: criteria provided, multiple submitters, no conflicts (2 of 4 stars). 2 submissions from 2 submitters: Uncertain significance (2). Last evaluated 2024-02-23.

Conditions:
Hereditary cancer-predisposing syndrome. Also called: Tumor predisposition; Hereditary Cancer Syndrome; Hereditary neoplastic syndrome; Neoplastic Syndromes, Hereditary. Identifiers: Orphanet 140162, MedGen C0027672, MeSH D009386, MONDO:0015356.
POLD1-related polyposis and colorectal cancer syndrome (CRCS10). Also called: Colorectal cancer 10; COLORECTAL CANCER, SUSCEPTIBILITY TO, ON CHROMOSOME 19q; Colorectal cancer, susceptibility to, 10. Identifiers: Orphanet 220460, MedGen C2675481, MONDO:0012953, OMIM 612591.

Submissions (2):

Labcorp Genetics (formerly Invitae), Labcorp
Classification: Uncertain significance for POLD1-related polyposis and colorectal cancer syndrome. Last evaluated: 2024-02-23. Review status: criteria provided, single submitter. Criteria: Invitae Variant Classification Sherloc (09022015). Collection method: clinical testing. Allele origin: germline.
Comment: This variant, c.80_82del, results in the deletion of 1 amino acid(s) of the POLD1 protein (p.Asp27del), but otherwise preserves the integrity of the reading frame. The frequency data for this variant in the population databases is considered unreliable, as metrics indicate poor data quality at this position in the gnomAD database. This variant has not been reported in the literature in individuals affected with POLD1-related conditions. Experimental studies and prediction algorithms are not available or were not evaluated, and the functional significance of this variant is currently unknown. In summary, the available evidence is currently insufficient to determine the role of this variant in disease. Therefore, it has been classified as a Variant of Uncertain Significance.

Ambry Genetics
Classification: Uncertain significance for Hereditary cancer-predisposing syndrome. Last evaluated: 2019-04-05. Review status: criteria provided, single submitter. Criteria: Ambry Variant Classification Scheme 2023. Collection method: clinical testing. Allele origin: germline.
Comment: The c.80_82delATG variant (also known as p.D27del) is located in coding exon 1 of the POLD1 gene. This variant results from an in-frame ATG deletion at nucleotide positions 80 to 82. This results in the in-frame deletion of an aspartic acid at codon 27. This amino acid position is poorly conserved in available vertebrate species. Since supporting evidence is limited at this time, the clinical significance of this alteration remains unclear.

NM_002691.4(POLD1):c.71ATG[3] (p.Asp27del)

Gene: POLD1 (DNA polymerase delta 1, catalytic subunit; plus strand). Cytogenetic location: 19q13.33.
Variant type: Microsatellite.
Coding change: c.71ATG[3] on transcript NM_002691.4 (MANE Select); three copies in a row of the 3-base unit ATG starting at c.71; the reference has four copies in a row; one copy, 3 bases deleted.
Protein change: p.Asp27del; deletes aspartic acid 27.
Molecular consequence: inframe deletion. On other transcripts: non-coding transcript variant (1).
Genome position (GRCh38, 1-based): chr19:50,398,931-50,398,933, ATG deleted; deleting any 3 consecutive bases within chr19:50,398,921-50,398,933 gives the same sequence; the position shown is the placement nearest the transcript's 3' end. VCF-style (leftmost placement, unchanged base first): chr19-50398920-GGAT-G. GRCh37 (hg19) VCF-style: chr19-50902177-GGAT-G.
Other names: c.71ATG[3], p.Asp27del (NM_001256849.1, NM_001308632.1); short protein forms D27del.
Identifiers: ClinVar variation 827385 (VCV000827385.7), dbSNP rs767241512, ClinGen allele CA9595605.